The following is an entry in ClinVar:

NM_003776.4(MRPL40):c.27C>G (p.Ile9Met)

Genes: MRPL40 (mitochondrial ribosomal protein L40; plus strand), LOC130066955 (ATAC-STARR-seq lymphoblastoid silent region 13460; plus strand). Cytogenetic location: 22q11.21.
Variant type: single nucleotide variant.
Coding change: c.27C>G on transcript NM_003776.4 (MANE Select); coding-DNA position 27, C replaced by G.
Protein change: p.Ile9Met; replaces isoleucine 9 with methionine.
Molecular consequence: missense variant. On other transcripts: 5 prime UTR variant (1).
Genome position (GRCh38, 1-based): chr22:19,432,581, C>G. VCF-style: chr22-19432581-C-G. GRCh37 (hg19) VCF-style: chr22-19420104-C-G.
Other names: c.-358C>G (NM_001318151.2); short protein forms I9M.
Identifiers: ClinVar variation 2719926 (VCV002719926.3), dbSNP rs781030757, ClinGen allele CA410665754.

ClinVar aggregate classification (germline): Uncertain significance (1 of 4 stars; one submission).

Allele frequency attached by ClinVar (database versions not stated): TOPMed 0.00001; gnomAD 0.00002.
gnomAD v4.1: 26 of 1,553,496 alleles (0.0017%); highest among the groups gnomAD compares: Admixed American, 0.014%; no homozygotes.

Submission:

Labcorp Genetics (formerly Invitae), Labcorp
Classification: Uncertain significance. Last evaluated: 2023-06-15. Review status: criteria provided, single submitter. Criteria: Invitae Variant Classification Sherloc (09022015). Collection method: clinical testing. Allele origin: germline.
Comment: An algorithm developed to predict the effect of missense changes on protein structure and function (PolyPhen-2) suggests that this variant is likely to be tolerated. This variant has not been reported in the literature in individuals affected with MRPL40-related conditions. This variant is present in population databases (no rsID available, gnomAD 0.02%). This sequence change replaces isoleucine, which is neutral and non-polar, with methionine, which is neutral and non-polar, at codon 9 of the MRPL40 protein (p.Ile9Met). Algorithms developed to predict the effect of sequence changes on RNA splicing suggest that this variant may create or strengthen a splice site. In summary, the available evidence is currently insufficient to determine the role of this variant in disease. Therefore, it has been classified as a Variant of Uncertain Significance.